The following is an entry in ClinVar:

NM_001201550.3(CFHR4):c.454C>A (p.Pro152Thr)

Gene: CFHR4 (complement factor H related 4; plus strand). Cytogenetic location: 1q31.3.
Variant type: single nucleotide variant.
Coding change: c.454C>A on transcript NM_001201550.3 (MANE Select); coding-DNA position 454, C replaced by A.
Protein change: p.Pro152Thr; replaces proline 152 with threonine.
Molecular consequence: missense variant. On other transcripts: intron variant (1).
Genome position (GRCh38, 1-based): chr1:196,906,875, C>A. VCF-style: chr1-196906875-C-A. GRCh37 (hg19) VCF-style: chr1-196876005-C-A.
Other names: p.Pro151Thr; c.451C>A, p.Pro151Thr (NM_001201551.2); c.256+4260C>A (NM_006684.5); short protein forms P152T, P151T.
Identifiers: ClinVar variation 4542080 (VCV004542080.1).

ClinVar aggregate classification (germline): Uncertain significance (1 of 4 stars; one submission).

gnomAD v4.1: 2 of 1,600,746 alleles (0.00012%); highest among the groups gnomAD compares: African/African-American, 0.0014%; no homozygotes.

Submission:

Mayo Clinic Laboratories, Mayo Clinic
Classification: Uncertain significance. Last evaluated: 2025-10-18. Review status: criteria provided, single submitter. Criteria: ACMG Guidelines, 2015. Collection method: clinical testing. Allele origin: germline. Observed: 1 variant allele.
Comment: BP1, PM2_supporting